The following is an entry in ClinVar:

NM_000553.6(WRN):c.1558G>A (p.Glu520Lys)

Gene: WRN (WRN RecQ like helicase; plus strand). Cytogenetic location: 8p12.
Variant type: single nucleotide variant.
Coding change: c.1558G>A on transcript NM_000553.6 (MANE Select); coding-DNA position 1558, G replaced by A.
Protein change: p.Glu520Lys; replaces glutamic acid 520 with lysine.
Molecular consequence: missense variant.
Genome position (GRCh38, 1-based): chr8:31,087,902, G>A. VCF-style: chr8-31087902-G-A. GRCh37 (hg19) VCF-style: chr8-30945418-G-A.
Other names: short protein forms E520K.
Identifiers: ClinVar variation 577944 (VCV000577944.4), dbSNP rs1204739059, ClinGen allele CA370924880.

ClinVar aggregate classification (germline): Uncertain significance (1 of 4 stars; one submission).

Conditions:
Werner syndrome (WRN). Identifiers: Orphanet 902, MedGen C0043119, MONDO:0010196, OMIM 277700.

Allele frequency attached by ClinVar (database versions not stated): gnomAD exomes below 0.00001.
gnomAD v4.1: 2 of 1,613,300 alleles (0.00012%); highest among the groups gnomAD compares: Non-Finnish European, 0.00017%; no homozygotes.

Submission:

Labcorp Genetics (formerly Invitae), Labcorp
Classification: Uncertain significance for Werner syndrome. Last evaluated: 2023-02-23. Review status: criteria provided, single submitter. Criteria: Invitae Variant Classification Sherloc (09022015). Collection method: clinical testing. Allele origin: germline.
Comment: This sequence change replaces glutamic acid, which is acidic and polar, with lysine, which is basic and polar, at codon 520 of the WRN protein (p.Glu520Lys). This variant is present in population databases (no rsID available, gnomAD 0.0009%). This variant has not been reported in the literature in individuals affected with WRN-related conditions. ClinVar contains an entry for this variant (Variation ID: 577944). An algorithm developed to predict the effect of missense changes on protein structure and function (PolyPhen-2) suggests that this variant is likely to be disruptive. In summary, the available evidence is currently insufficient to determine the role of this variant in disease. Therefore, it has been classified as a Variant of Uncertain Significance.